The following is an entry in ClinVar:

NM_001374736.1(DST):c.21257A>G (p.Lys7086Arg)

Gene: DST (dystonin; minus strand). Cytogenetic location: 6p12.1.
Variant type: single nucleotide variant.
Coding change: c.21257A>G on transcript NM_001374736.1 (MANE Select); coding-DNA position 21257, A replaced by G.
Protein change: p.Lys7086Arg; replaces lysine 7086 with arginine.
Molecular consequence: missense variant.
Genome position (GRCh38, 1-based): chr6:56,482,828, T>C on the plus strand (A>G on the coding strand, the complement: DST is on the minus strand). VCF-style: chr6-56482828-T-C. GRCh37 (hg19) VCF-style: chr6-56347626-T-C.
Other names: c.14900A>G, p.Lys4967Arg (NM_001144769.5); c.14486A>G, p.Lys4829Arg (NM_001144770.2); c.21257A>G, p.Lys7086Arg (NM_001374722.1); c.20297A>G, p.Lys6766Arg (NM_001374729.1); c.14039A>G, p.Lys4680Arg (NM_001374730.1); c.21284A>G, p.Lys7095Arg (NM_001374734.1); c.14366A>G, p.Lys4789Arg (NM_001386100.1, NM_183380.4); c.13388A>G, p.Lys4463Arg (NM_015548.5); short protein forms K4463R, K4680R, K4789R, K4829R, K4967R, K6766R, K7086R, K7095R.
Identifiers: ClinVar variation 1804207 (VCV001804207.1), dbSNP rs2533706317, ClinGen allele CA364512316.
Genomic context (GRCh38, chr6:56,482,828, plus strand): 5'-TGGACCTTGACCCAGGAGGAGTCATCCCGACTGCCTTCTATGAGTTCTCGGGCTGAGCGC[T>C]TCAGGGCCTGCACACTGCTGGTCCTCTTCCCCAACTCTTTTTGGAAGGCCTAAGAAGACC-3'
Protein context (NP_001361665.1, residues 7076-7096): GKRTSSVQAL[Lys7086Arg]RSARELIEGS

ClinVar aggregate classification (germline): Uncertain significance (1 of 4 stars; one submission).

Submission:

GeneDx
Classification: Uncertain significance. Last evaluated: 2022-06-17. Review status: criteria provided, single submitter. Criteria: GeneDx Variant Classification Process June 2021. Collection method: clinical testing. Allele origin: germline. Affected: yes.
Comment: Has not been previously published as pathogenic or benign to our knowledge; Not observed at significant frequency in large population cohorts (gnomAD); In silico analysis supports that this missense variant has a deleterious effect on protein structure/function; Reported using an alternate transcript of the gene, which is expressed in neurons and skin